The following is an entry in ClinVar:

NM_001243279.3(ACSF3):c.822+1G>A

Gene: ACSF3 (acyl-CoA synthetase family member 3; plus strand). Cytogenetic location: 16q24.3.
Variant type: single nucleotide variant.
Coding change: c.822+1G>A on transcript NM_001243279.3 (MANE Select); the canonical splice donor site of the intron after coding-DNA position 822, G replaced by A.
Molecular consequence: splice donor variant.
Genome position (GRCh38, 1-based): chr16:89,102,760, G>A. VCF-style: chr16-89102760-G-A. GRCh37 (hg19) VCF-style: chr16-89169168-G-A.
Other names: c.822+1G>A (NM_001127214.4, NM_174917.5); c.27+1G>A (NM_001284316.2).
Identifiers: ClinVar variation 1495791 (VCV001495791.10), dbSNP rs2151416991, ClinGen allele CA397138115.

ClinVar aggregate classification (germline): Likely pathogenic. Review status: criteria provided, multiple submitters, no conflicts (2 of 4 stars). 3 submissions from 3 submitters: Likely pathogenic (3). Last evaluated 2024-05-25.

Conditions:
Combined malonic and methylmalonic acidemia. Identifiers: Orphanet 289504, MedGen C3280314, MONDO:0013661, OMIM 614265.

Submissions (3):

Fulgent Genetics
Classification: Likely pathogenic for Combined malonic and methylmalonic acidemia. Last evaluated: 2024-05-25. Review status: criteria provided, single submitter. Criteria: ACMG Guidelines, 2015. Collection method: clinical testing. Allele origin: germline.

Baylor Genetics
Classification: Likely pathogenic for Combined malonic and methylmalonic acidemia. Last evaluated: 2023-04-08. Review status: criteria provided, single submitter. Criteria: ACMG Guidelines, 2015. Collection method: clinical testing. Allele origin: unknown.

Labcorp Genetics (formerly Invitae), Labcorp
Classification: Likely pathogenic for Combined malonic and methylmalonic acidemia. Last evaluated: 2021-01-21. Review status: criteria provided, single submitter. Criteria: Invitae Variant Classification Sherloc (09022015). Collection method: clinical testing. Allele origin: germline.
Comment: This variant is not present in population databases (ExAC no frequency). This sequence change affects a donor splice site in intron 4 of the ACSF3 gene. It is expected to disrupt RNA splicing. Variants that disrupt the donor or acceptor splice site typically lead to a loss of protein function (PMID: 16199547), and loss-of-function variants in ACSF3 are known to be pathogenic (PMID: 21841779, 26827111). This variant has not been reported in the literature in individuals with ACSF3-related conditions. In summary, the currently available evidence indicates that the variant is pathogenic, but additional data are needed to prove that conclusively. Therefore, this variant has been classified as Likely Pathogenic. Algorithms developed to predict the effect of sequence changes on RNA splicing suggest that this variant may disrupt the consensus splice site, but this prediction has not been confirmed by published transcriptional studies.

Literature cited by the submitters: PubMed 16199547 (cited by Labcorp Genetics (formerly Invitae), Labcorp); PubMed 21841779 (cited by Labcorp Genetics (formerly Invitae), Labcorp); PubMed 26827111 (cited by Labcorp Genetics (formerly Invitae), Labcorp).